The following is an entry in ClinVar:

NM_203447.4(DOCK8):c.3177_3179del (p.Leu1060del)

Gene: DOCK8 (dedicator of cytokinesis 8; plus strand). Cytogenetic location: 9p24.3.
Variant type: Deletion.
Coding change: c.3177_3179del on transcript NM_203447.4 (MANE Select); coding-DNA positions 3177 to 3179, 3 bases deleted (TCT; older notation c.3177_3179delTCT).
Protein change: p.Leu1060del; deletes leucine 1060.
Genome position (GRCh38, 1-based): chr9:399,202-399,204, TCT deleted; deleting any 3 consecutive bases within chr9:399,200-399,204 gives the same sequence; the c. name uses the placement nearest the transcript's 3' end. VCF-style (leftmost placement, unchanged base first): chr9-399199-CCTT-C. GRCh37 (hg19) VCF-style: chr9-399199-CCTT-C.
Other names: c.2877_2879del, p.Leu960del (NM_001190458.2); c.2973_2975del, p.Leu992del (NM_001193536.2); short protein forms L1060del, L960del, L992del.
Identifiers: ClinVar variation 3645868 (VCV003645868.2).

ClinVar aggregate classification (germline): Uncertain significance (1 of 4 stars; one submission).

Conditions:
Combined immunodeficiency due to DOCK8 deficiency (HIES2). Also called: HIES autosomal recessive; Hyper-IgE recurrent infection syndrome, autosomal recessive; HYPER-IgE RECURRENT INFECTION SYNDROME 2, AUTOSOMAL RECESSIVE; DOCK8 Deficiency; HYPER-IgE SYNDROME 2, AUTOSOMAL RECESSIVE, WITH RECURRENT INFECTIONS. Identifiers: Orphanet 217390, MedGen C4722305, MONDO:0009478, OMIM 243700.

Submission:

Labcorp Genetics (formerly Invitae), Labcorp
Classification: Uncertain significance for Combined immunodeficiency due to DOCK8 deficiency. Last evaluated: 2024-03-13. Review status: criteria provided, single submitter. Criteria: Invitae Variant Classification Sherloc (09022015). Collection method: clinical testing. Allele origin: germline.
Comment: This variant, c.3177_3179del, results in the deletion of 1 amino acid(s) of the DOCK8 protein (p.Leu1060del), but otherwise preserves the integrity of the reading frame. This variant is not present in population databases (gnomAD no frequency). This variant has not been reported in the literature in individuals affected with DOCK8-related conditions. Experimental studies and prediction algorithms are not available or were not evaluated, and the functional significance of this variant is currently unknown. In summary, the available evidence is currently insufficient to determine the role of this variant in disease. Therefore, it has been classified as a Variant of Uncertain Significance.